The following is an entry in ClinVar:

NM_001830.4(CLCN4):c.405G>A (p.Trp135Ter)

Gene: CLCN4 (chloride voltage-gated channel 4; plus strand). Cytogenetic location: Xp22.2.
Variant type: single nucleotide variant.
Coding change: c.405G>A on transcript NM_001830.4 (MANE Select); coding-DNA position 405, G replaced by A.
Protein change: p.Trp135Ter; replaces tryptophan 135 with a stop codon.
Molecular consequence: nonsense.
Genome position (GRCh38, 1-based): chrX:10,195,071, G>A. VCF-style: chrX-10195071-G-A. GRCh37 (hg19) VCF-style: chrX-10163111-G-A.
Other names: c.123G>A, p.Trp41Ter (NM_001256944.2); short protein forms W41*, W135*.
Identifiers: ClinVar variation 4723839 (VCV004723839.1).

ClinVar aggregate classification (germline): Pathogenic (1 of 4 stars; one submission).

Submission:

Labcorp Genetics (formerly Invitae), Labcorp
Classification: Pathogenic. Last evaluated: 2025-07-23. Review status: criteria provided, single submitter. Criteria: Invitae Variant Classification Sherloc (09022015). Collection method: clinical testing. Allele origin: germline.
Comment: This sequence change creates a premature translational stop signal (p.Trp135*) in the CLCN4 gene. It is expected to result in an absent or disrupted protein product. Loss-of-function variants in CLCN4 are known to be pathogenic (PMID: 27550844). This variant is not present in population databases (gnomAD no frequency). This variant has not been reported in the literature in individuals affected with CLCN4-related conditions. For these reasons, this variant has been classified as Pathogenic.

Literature cited by the submitters: PubMed 27550844.